The following is an entry in ClinVar:

ClinVar aggregate classification (germline): Uncertain significance (1 of 4 stars; one submission).

gnomAD v4.1: 2 of 1,598,734 alleles (0.00013%); highest among the groups gnomAD compares: Non-Finnish European, 0.00017%; no homozygotes.

Submission:

GeneDx
Classification: Uncertain significance. Last evaluated: 2024-11-11. Review status: criteria provided, single submitter. Criteria: GeneDx Variant Classification Process June 2021. Collection method: clinical testing. Allele origin: germline. Affected: yes.
Comment: Not observed at significant frequency in large population cohorts (gnomAD); In silico analysis supports that this missense variant has a deleterious effect on protein structure/function; Has not been previously published as pathogenic or benign to our knowledge

NM_005445.4(SMC3):c.3560A>G (p.Tyr1187Cys)

Gene: SMC3 (structural maintenance of chromosomes 3; plus strand). Cytogenetic location: 10q25.2.
Variant type: single nucleotide variant.
Coding change: c.3560A>G on transcript NM_005445.4 (MANE Select); coding-DNA position 3560, A replaced by G.
Protein change: p.Tyr1187Cys; replaces tyrosine 1187 with cysteine.
Molecular consequence: missense variant.
Genome position (GRCh38, 1-based): chr10:110,603,268, A>G. VCF-style: chr10-110603268-A-G. GRCh37 (hg19) VCF-style: chr10-112363026-A-G.
Other names: short protein forms Y1187C.
Identifiers: ClinVar variation 3898905 (VCV003898905.1).